The following is an entry in ClinVar:

NM_001243279.3(ACSF3):c.130G>A (p.Ala44Thr)

Gene: ACSF3 (acyl-CoA synthetase family member 3; plus strand). Cytogenetic location: 16q24.3.
Variant type: single nucleotide variant.
Coding change: c.130G>A on transcript NM_001243279.3 (MANE Select); coding-DNA position 130, G replaced by A.
Protein change: p.Ala44Thr; replaces alanine 44 with threonine.
Molecular consequence: missense variant. On other transcripts: non-coding transcript variant (3), intron variant (1).
Genome position (GRCh38, 1-based): chr16:89,100,811, G>A. VCF-style: chr16-89100811-G-A. GRCh37 (hg19) VCF-style: chr16-89167219-G-A.
Other names: c.130G>A, p.Ala44Thr (NM_001127214.4, NM_174917.5); c.-129-1793G>A (NM_001284316.2); short protein forms A44T.
Identifiers: ClinVar variation 990416 (VCV000990416.6), dbSNP rs759448696, ClinGen allele CA8237553.

ClinVar aggregate classification (germline): Uncertain significance. Review status: criteria provided, multiple submitters, no conflicts (2 of 4 stars). 3 submissions from 3 submitters: Uncertain significance (2). 1 of the submissions does not count toward it. Last evaluated 2022-03-23.

Conditions:
Methylmalonic acidemia (MMA). Also called: Isolated Methylmalonic Acidemia. Identifiers: MedGen C0268583, MeSH C537358, MONDO:0002012, HP:0002912.
Combined malonic and methylmalonic acidemia. Identifiers: Orphanet 289504, MedGen C3280314, MONDO:0013661, OMIM 614265.

Allele frequency attached by ClinVar (database versions not stated): ExAC 0.00004; TOPMed 0.00006; gnomAD 0.00007.

Submissions (3):

Labcorp Genetics (formerly Invitae), Labcorp
Classification: Uncertain significance for Combined malonic and methylmalonic acidemia. Last evaluated: 2022-03-23. Review status: criteria provided, single submitter. Criteria: Invitae Variant Classification Sherloc (09022015). Collection method: clinical testing. Allele origin: germline.
Comment: This sequence change replaces alanine, which is neutral and non-polar, with threonine, which is neutral and polar, at codon 44 of the ACSF3 protein (p.Ala44Thr). This variant is present in population databases (rs759448696, gnomAD 0.03%). This variant has not been reported in the literature in individuals affected with ACSF3-related conditions. ClinVar contains an entry for this variant (Variation ID: 990416). Algorithms developed to predict the effect of missense changes on protein structure and function output the following: SIFT: "Tolerated"; PolyPhen-2: "Benign"; Align-GVGD: "Class C0". The threonine amino acid residue is found in multiple mammalian species, which suggests that this missense change does not adversely affect protein function. In summary, the available evidence is currently insufficient to determine the role of this variant in disease. Therefore, it has been classified as a Variant of Uncertain Significance.

Genome-Nilou Lab
Classification: Uncertain significance for Combined malonic and methylmalonic acidemia. Last evaluated: 2021-07-14. Review status: criteria provided, single submitter. Criteria: ACMG Guidelines, 2015. Collection method: clinical testing. Allele origin: germline. Affected: no.

Natera, Inc.
Classification: Uncertain significance for Methylmalonic acidemia. Last evaluated: 2020-10-08. Review status: no assertion criteria provided. Collection method: clinical testing. Allele origin: germline. Not counted in ClinVar's aggregate classification.